The following is an entry in ClinVar:

ClinVar aggregate classification (germline): Conflicting classifications of pathogenicity. Review status: criteria provided, conflicting classifications (1 of 4 stars). 2 submissions from 2 submitters: Uncertain significance (1); Likely benign (1). Last evaluated 2025-11-25.

Conditions:
Inborn genetic diseases. Identifiers: MedGen C0950123, MeSH D030342.
Alpha thalassemia-X-linked intellectual disability syndrome (ATRX). Also called: X-linked alpha-thalassemia-mental retardation syndrome; ALPHA-THALASSEMIA/MENTAL RETARDATION SYNDROME, X-LINKED; ATR, NONDELETION TYPE; ATR-X syndrome; Alpha thalassemia mental retardation syndrome, nondeletion type, X-linked; XLMR hypotonic face syndrome. Identifiers: Orphanet 847, MedGen C1845055, MONDO:0010519, OMIM 301040.

Allele frequency attached by ClinVar (database versions not stated): gnomAD exomes 0.00001; ExAC 0.00001.
gnomAD v4.1: 9 of 1,207,037 alleles (0.00075%); highest among the groups gnomAD compares: Non-Finnish European, 0.001%; no homozygotes.

Submissions (2):

Ambry Genetics
Classification: Uncertain significance for Inborn genetic diseases. Last evaluated: 2025-11-25. Review status: criteria provided, single submitter. Criteria: Ambry Variant Classification Scheme 2023. Collection method: clinical testing. Allele origin: germline.
Comment: The c.167T>C (p.M56T) alteration is located in exon 3 (coding exon 3) of the ATRX gene. This alteration results from a T to C substitution at nucleotide position 167, causing the methionine (M) at amino acid position 56 to be replaced by a threonine (T). Based on data from gnomAD, the C allele has an overall frequency of <0.001% (1/182739) total alleles studied. The highest observed frequency was 0.001% (1/81651) of European (non-Finnish) alleles. Based on insufficient or conflicting evidence, the clinical significance of this alteration remains unclear.

Labcorp Genetics (formerly Invitae), Labcorp
Classification: Likely benign for Alpha thalassemia-X-linked intellectual disability syndrome. Last evaluated: 2023-06-25. Review status: criteria provided, single submitter. Criteria: Invitae Variant Classification Sherloc (09022015). Collection method: clinical testing. Allele origin: germline.

NM_000489.6(ATRX):c.167T>C (p.Met56Thr)

Gene: ATRX (ATRX chromatin remodeler; minus strand). Cytogenetic location: Xq21.1.
Variant type: single nucleotide variant.
Coding change: c.167T>C on transcript NM_000489.6 (MANE Select); coding-DNA position 167, T replaced by C.
Protein change: p.Met56Thr; replaces methionine 56 with threonine.
Molecular consequence: missense variant.
Genome position (GRCh38, 1-based): chrX:77,698,596, A>G on the plus strand (T>C on the coding strand, the complement: ATRX is on the minus strand). VCF-style: chrX-77698596-A-G. GRCh37 (hg19) VCF-style: chrX-76954084-A-G.
Other names: c.167T>C, p.Met56Thr (NM_138270.5); c.167T>C (NM_000489.3); short protein forms M56T.
Identifiers: ClinVar variation 1596846 (VCV001596846.9), dbSNP rs782553856, ClinGen allele CA10458369.
Genomic context (GRCh38, chrX:77,698,596, plus strand): 5'-ATCGTAACTAACAAATATCTCTAAATAATTATCCTTACCTCTTCCTTGCTGTTTTCCATC[A>G]TATCAGAGTTACTTCCAGAACCACTGATTTTATCTAAAAAAGAAGAAATAAAGAACATTA-3'
Protein context (NP_000480.3, residues 46-66): KISGSGSNSD[Met56Thr]MENSKEEGTS